The following is an entry in ClinVar:

ClinVar aggregate classification (germline): Benign. Review status: criteria provided, single submitter (1 of 4 stars). 2 submissions from 2 submitters: Benign (1). 1 of the submissions does not count toward it. Last evaluated 2019-12-31.

Conditions:
PER2-related disorder. Also called: PER2-related condition.

Allele frequency attached by ClinVar (database versions not stated): gnomAD exomes 0.00034 and 0.00099; ExAC 0.00115; 1000 Genomes Project 0.00300; gnomAD 0.00346 and 0.00369; 1000 Genomes Project 30x 0.00390; TOPMed 0.00400; ESP Exome Variant Server 0.00500.
gnomAD v4.1: 1,037 of 1,614,178 alleles (0.064%); highest among the groups gnomAD compares: African/African-American, 1.2%; 10 homozygotes.

Submissions (2):

Labcorp Genetics (formerly Invitae), Labcorp
Classification: Benign. Last evaluated: 2019-12-31. Review status: criteria provided, single submitter. Criteria: Invitae Variant Classification Sherloc (09022015). Collection method: clinical testing. Allele origin: germline.

PreventionGenetics, part of Exact Sciences
Classification: Benign for PER2-related condition. Last evaluated: 2019-02-19. Review status: no assertion criteria provided. Collection method: clinical testing. Allele origin: germline. Not counted in ClinVar's aggregate classification.
Comment: This variant is classified as benign based on ACMG/AMP sequence variant interpretation guidelines (Richards et al. 2015 PMID: 25741868, with internal and published modifications).

NM_022817.3(PER2):c.678G>A (p.Lys226=)

Gene: PER2 (period circadian regulator 2; minus strand). Cytogenetic location: 2q37.3.
Variant type: single nucleotide variant.
Coding change: c.678G>A on transcript NM_022817.3 (MANE Select); coding-DNA position 678, G replaced by A.
Protein change: p.Lys226=; no amino-acid change (lysine 226 retained).
Molecular consequence: synonymous variant.
Genome position (GRCh38, 1-based): chr2:238,271,406, C>T on the plus strand (G>A on the coding strand, the complement: PER2 is on the minus strand). VCF-style: chr2-238271406-C-T. GRCh37 (hg19) VCF-style: chr2-239180047-C-T.
Identifiers: ClinVar variation 791898 (VCV000791898.6), dbSNP rs116439936, ClinGen allele CA2197702.
Genomic context (GRCh38, chr2:238,271,406, plus strand): 5'-GTACGGGGAGGTGAAACTGTGGAACACGCCCACATCGTGAGGCGCCAGGAACTCCACAAA[C>T]TTGGCATCGCTGAAGGCATCTCTTTTACAGTGAAATATGGATGCAACCTGGTCAGAGATG-3'
Protein context (NP_073728.1, residues 216-236): HCKRDAFSDA[Lys226=]FVEFLAPHDV